The following is an entry in ClinVar:

NM_000814.6(GABRB3):c.594G>T (p.Lys198Asn)

Gene: GABRB3 (gamma-aminobutyric acid type A receptor subunit beta3; minus strand). Cytogenetic location: 15q12.
Variant type: single nucleotide variant.
Coding change: c.594G>T on transcript NM_000814.6 (MANE Select); coding-DNA position 594, G replaced by T.
Protein change: p.Lys198Asn; replaces lysine 198 with asparagine.
Molecular consequence: missense variant.
Genome position (GRCh38, 1-based): chr15:26,580,407, C>A on the plus strand (G>T on the coding strand, the complement: GABRB3 is on the minus strand). VCF-style: chr15-26580407-C-A. GRCh37 (hg19) VCF-style: chr15-26825554-C-A.
Other names: c.339G>T, p.Lys113Asn (NM_001191320.2, NM_001278631.2); c.381G>T, p.Lys127Asn (NM_001191321.3); c.594G>T, p.Lys198Asn (NM_021912.5); short protein forms K127N, K113N, K198N.
Identifiers: ClinVar variation 4788212 (VCV004788212.1).

ClinVar aggregate classification (germline): Uncertain significance (1 of 4 stars; one submission).

Conditions:
Epilepsy, childhood absence, susceptibility to, 1. Also called: Epilepsy, childhood absence 1. Identifiers: Orphanet 64280, MedGen C1838604, MONDO:0020759, OMIM 600131.
Epilepsy, childhood absence, susceptibility to, 5. Identifiers: Orphanet 64280, MedGen C2677087, MONDO:0012843, OMIM 612269.

Submission:

Labcorp Genetics (formerly Invitae), Labcorp
Classification: Uncertain significance for Epilepsy, childhood absence, susceptibility to, 5; Epilepsy, childhood absence, susceptibility to, 1. Last evaluated: 2025-06-04. Review status: criteria provided, single submitter. Criteria: Invitae Variant Classification Sherloc (09022015). Collection method: clinical testing. Allele origin: germline.
Comment: This sequence change replaces lysine, which is basic and polar, with asparagine, which is neutral and polar, at codon 198 of the GABRB3 protein (p.Lys198Asn). This variant is not present in population databases (gnomAD no frequency). This variant has not been reported in the literature in individuals affected with GABRB3-related conditions. Invitae Evidence Modeling of protein sequence and biophysical properties (such as structural, functional, and spatial information, amino acid conservation, physicochemical variation, residue mobility, and thermodynamic stability) indicates that this missense variant is not expected to disrupt GABRB3 protein function with a negative predictive value of 95%. In summary, the available evidence is currently insufficient to determine the role of this variant in disease. Therefore, it has been classified as a Variant of Uncertain Significance.